The following is an entry in ClinVar:

ClinVar aggregate classification (germline): Uncertain significance (1 of 4 stars; one submission).

Conditions:
DNA ligase IV deficiency. Identifiers: Orphanet 99812, MedGen C1847827, MONDO:0011686, OMIM 606593.

Submission:

Labcorp Genetics (formerly Invitae), Labcorp
Classification: Uncertain significance for DNA ligase IV deficiency. Last evaluated: 2022-06-04. Review status: criteria provided, single submitter. Criteria: Invitae Variant Classification Sherloc (09022015). Collection method: clinical testing. Allele origin: germline.
Comment: In summary, the available evidence is currently insufficient to determine the role of this variant in disease. Therefore, it has been classified as a Variant of Uncertain Significance. Algorithms developed to predict the effect of missense changes on protein structure and function are either unavailable or do not agree on the potential impact of this missense change (SIFT: "Deleterious"; PolyPhen-2: "Benign"; Align-GVGD: "Class C0"). ClinVar contains an entry for this variant (Variation ID: 1490615). This variant has not been reported in the literature in individuals affected with LIG4-related conditions. This variant is not present in population databases (gnomAD no frequency). This sequence change replaces leucine, which is neutral and non-polar, with phenylalanine, which is neutral and non-polar, at codon 19 of the LIG4 protein (p.Leu19Phe).

NM_206937.2(LIG4):c.57G>C (p.Leu19Phe)

Gene: LIG4 (DNA ligase 4; minus strand). Cytogenetic location: 13q33.3.
Variant type: single nucleotide variant.
Coding change: c.57G>C on transcript NM_206937.2 (MANE Select); coding-DNA position 57, G replaced by C.
Protein change: p.Leu19Phe; replaces leucine 19 with phenylalanine.
Molecular consequence: missense variant. On other transcripts: 5 prime UTR variant (1).
Genome position (GRCh38, 1-based): chr13:108,211,212, C>G on the plus strand (G>C on the coding strand, the complement: LIG4 is on the minus strand). VCF-style: chr13-108211212-C-G. GRCh37 (hg19) VCF-style: chr13-108863560-C-G.
Other names: c.57G>C, p.Leu19Phe (NM_001098268.2, NM_001352598.2, NM_001352599.2 and 6 more transcripts); c.-145G>C (NM_001330595.2); c.93G>C, p.Leu31Phe (NM_001352604.2); short protein forms L19F, L31F.
Identifiers: ClinVar variation 1490615 (VCV001490615.8), dbSNP rs762030781, ClinGen allele CA388624767.